The following is an entry in ClinVar:

NM_000601.6(HGF):c.2084G>A (p.Arg695His)

Gene: HGF (hepatocyte growth factor; minus strand). Cytogenetic location: 7q21.11.
Variant type: single nucleotide variant.
Coding change: c.2084G>A on transcript NM_000601.6 (MANE Select); coding-DNA position 2084, G replaced by A.
Protein change: p.Arg695His; replaces arginine 695 with histidine.
Molecular consequence: missense variant.
Genome position (GRCh38, 1-based): chr7:81,702,684, C>T on the plus strand (G>A on the coding strand, the complement: HGF is on the minus strand). VCF-style: chr7-81702684-C-T. GRCh37 (hg19) VCF-style: chr7-81332000-C-T.
Other names: c.2069G>A, p.Arg690His (NM_001010932.3); short protein forms R690H, R695H.
Identifiers: ClinVar variation 1707372 (VCV001707372.2), dbSNP rs543827901, ClinGen allele CA4316715.

ClinVar aggregate classification (germline): Uncertain significance (1 of 4 stars; one submission).

Allele frequency attached by ClinVar (database versions not stated): gnomAD 0.00001; ExAC 0.00004; 1000 Genomes Project 30x 0.00016; 1000 Genomes Project 0.00020.
gnomAD v4.1: 24 of 1,611,556 alleles (0.0015%); highest among the groups gnomAD compares: Admixed American, 0.01%; no homozygotes.

Submission:

GeneDx
Classification: Uncertain significance. Last evaluated: 2022-03-21. Review status: criteria provided, single submitter. Criteria: GeneDx Variant Classification Process June 2021. Collection method: clinical testing. Allele origin: germline. Affected: yes.
Comment: In silico analysis supports that this missense variant has a deleterious effect on protein structure/function; Has not been previously published as pathogenic or benign to our knowledge